The following is an entry in ClinVar:

ClinVar aggregate classification (germline): Benign. Review status: criteria provided, multiple submitters, no conflicts (2 of 4 stars). 8 submissions from 8 submitters: Benign (7). 1 of the submissions does not count toward it. Last evaluated 2026-02-04.

Conditions:
Deficiency of steroid 17-alpha-monooxygenase. Also called: 17-ALPHA-HYDROXYLASE DEFICIENCY; Congenital adrenal hyperplasia due to 17-alpha-hydroxylase deficiency; Congenital adrenal hyperplasia type 5; 17-alpha-hydroxylase/17,20-lyase deficiency; ADRENAL HYPERPLASIA V. Identifiers: Orphanet 90793, MedGen C0268285, MONDO:0008730, OMIM 202110.

Allele frequency attached by ClinVar (database versions not stated): ESP Exome Variant Server 0.38328; TOPMed 0.39441; gnomAD 0.40112; 1000 Genomes Project 30x 0.40662; 1000 Genomes Project 0.41034.
gnomAD v4.1: 608,282 of 1,589,132 alleles (38%); highest among the groups gnomAD compares: East Asian, 51%; 117,961 homozygotes.

Submissions (8):

Labcorp Genetics (formerly Invitae), Labcorp
Classification: Benign. Last evaluated: 2026-02-04. Review status: criteria provided, single submitter. Criteria: Invitae Variant Classification Sherloc (09022015). Collection method: clinical testing. Allele origin: germline.

Blueprint Genetics
Classification: Benign. Last evaluated: 2024-11-27. Review status: criteria provided, single submitter. Criteria: ACMG Guidelines, 2015. Collection method: clinical testing. Allele origin: germline.

Genome-Nilou Lab
Classification: Benign for Deficiency of steroid 17-alpha-monooxygenase. Last evaluated: 2021-07-01. Review status: criteria provided, single submitter. Criteria: ACMG Guidelines, 2015. Collection method: clinical testing. Allele origin: germline. Affected: no.

Illumina Laboratory Services, Illumina
Classification: Benign for Deficiency of steroid 17-alpha-monooxygenase. Last evaluated: 2018-01-12. Review status: criteria provided, single submitter. Criteria: ICSL Variant Classification Criteria 13 December 2019. Collection method: clinical testing. Allele origin: germline.
Comment: This variant was observed in the ICSL laboratory as part of a predisposition screen in an ostensibly healthy population. It had not been previously curated by ICSL or reported in the Human Gene Mutation Database (HGMD: prior to June 1st, 2018), and was therefore a candidate for classification through an automated scoring system. Utilizing variant allele frequency, disease prevalence and penetrance estimates, and inheritance mode, an automated score was calculated to assess if this variant is too frequent to cause the disease. Based on the score and internal cut-off values, a variant classified as benign is not then subjected to further curation. The score for this variant resulted in a classification of benign for this disease.

Athena Diagnostics
Classification: Benign. Last evaluated: 2017-11-02. Review status: criteria provided, single submitter. Criteria: Athena Diagnostics Criteria. Collection method: clinical testing. Allele origin: germline.

GeneDx
Classification: Benign. Last evaluated: 2015-03-03. Review status: criteria provided, single submitter. Criteria: GeneDx Variant Classification Process June 2021. Collection method: clinical testing. Allele origin: germline. Affected: yes.

Breakthrough Genomics
Classification: Benign. Review status: criteria provided, single submitter. Criteria: ACMG Guidelines, 2015. Collection method: not provided. Allele origin: germline. Inheritance: Autosomal recessive inheritance. Affected: yes.

Natera, Inc.
Classification: Benign for Deficiency of steroid 17-alpha-monooxygenase. Last evaluated: 2020-09-16. Review status: no assertion criteria provided. Collection method: clinical testing. Allele origin: germline. Not counted in ClinVar's aggregate classification.

NM_000102.4(CYP17A1):c.195G>T (p.Ser65=)

Gene: CYP17A1 (cytochrome P450 family 17 subfamily A member 1; minus strand). Cytogenetic location: 10q24.32.
Variant type: single nucleotide variant.
Coding change: c.195G>T on transcript NM_000102.4 (MANE Select); coding-DNA position 195, G replaced by T.
Protein change: p.Ser65=; no amino-acid change (serine 65 retained).
Molecular consequence: synonymous variant.
Genome position (GRCh38, 1-based): chr10:102,837,167, C>A on the plus strand (G>T on the coding strand, the complement: CYP17A1 is on the minus strand). VCF-style: chr10-102837167-C-A. GRCh37 (hg19) VCF-style: chr10-104596924-C-A.
Identifiers: ClinVar variation 298624 (VCV000298624.22), dbSNP rs6163, ClinGen allele CA5669634.
Genomic context (GRCh38, chr10:102,837,167, plus strand): 5'-CACCTCCTTGGCCAGCTGGTGGTGGCCGACAATCACTGTAGTCTTGGTGCCCATACGAAC[C>A]GAATAGATGGGGCCATATTTTTTCTGCAGCTTGAAGAAGTTGTTATGCATATGGCCGTGT-3'
Protein context (NP_000093.1, residues 55-75): KLQKKYGPIY[Ser65=]VRMGTKTTVI